The following is an entry in ClinVar:

ClinVar aggregate classification (germline): Likely benign (1 of 4 stars; one submission).

Allele frequency attached by ClinVar (database versions not stated): ExAC 0.00061; gnomAD 0.00077; TOPMed 0.00077; ESP Exome Variant Server 0.00170.
gnomAD v4.1: 1,115 of 1,195,183 alleles (0.093%); highest among the groups gnomAD compares: Non-Finnish European, 0.12%; no homozygotes.

Submission:

CeGaT Center for Human Genetics Tuebingen
Classification: Likely benign. Last evaluated: 2022-08-01. Review status: criteria provided, single submitter. Criteria: CeGaT Center For Human Genetics Tuebingen Variant Classification Criteria Version 2. Collection method: clinical testing. Allele origin: germline. Affected: yes. Observed: 1 variant allele.
Comment: ASB11: BS2

NM_080873.3(ASB11):c.847+6C>A

Gene: ASB11 (ankyrin repeat and SOCS box containing 11; minus strand). Cytogenetic location: Xp22.2.
Variant type: single nucleotide variant.
Coding change: c.847+6C>A on transcript NM_080873.3 (MANE Select); 6 bases into the intron after coding-DNA position 847, C replaced by A.
Molecular consequence: intron variant.
Genome position (GRCh38, 1-based): chrX:15,287,875, G>T on the plus strand (C>A on the coding strand, the complement: ASB11 is on the minus strand). VCF-style: chrX-15287875-G-T. GRCh37 (hg19) VCF-style: chrX-15305997-G-T.
Other names: c.796+6C>A (NM_001201583.2); c.784+6C>A (NM_001012428.2).
Identifiers: ClinVar variation 2660045 (VCV002660045.24), dbSNP rs373647947, ClinGen allele CA10353813.